The following is an entry in ClinVar:

ClinVar aggregate classification (germline): Pathogenic (1 of 4 stars; one submission).

Conditions:
Bethlem myopathy 1A. Also called: MYOPATHY, BENIGN CONGENITAL, WITH CONTRACTURES; Bethlem myopathy 1; Bethlem Muscular Dystrophy. Identifiers: Orphanet 610, MedGen CN029274, MONDO:0024530, OMIM 158810.

Submission:

Labcorp Genetics (formerly Invitae), Labcorp
Classification: Pathogenic for Bethlem myopathy 1A. Last evaluated: 2025-06-09. Review status: criteria provided, single submitter. Criteria: Invitae Variant Classification Sherloc (09022015). Collection method: clinical testing. Allele origin: germline.
Comment: This sequence change creates a premature translational stop signal (p.Pro449Argfs*38) in the COL6A2 gene. It is expected to result in an absent or disrupted protein product. Loss-of-function variants in COL6A2 are known to be pathogenic (PMID: 19884007, 20976770). This variant is not present in population databases (gnomAD no frequency). This variant has not been reported in the literature in individuals affected with COL6A2-related conditions. For these reasons, this variant has been classified as Pathogenic.

Literature cited by the submitters: PubMed 19884007; PubMed 20976770.

NM_001849.4(COL6A2):c.1346_1368del (p.Pro449fs)

Gene: COL6A2 (collagen type VI alpha 2 chain; plus strand). Cytogenetic location: 21q22.3.
Variant type: Deletion.
Coding change: c.1346_1368del on transcript NM_001849.4 (MANE Select); coding-DNA positions 1346 to 1368, 23 bases deleted (CTGAGGGGCCCCGCGGCCTGGCT).
Protein change: p.Pro449fs; shifts the reading frame from proline 449.
Molecular consequence: frameshift variant.
Genome position (GRCh38, 1-based): chr21:46,120,528-46,120,550, CTGAGGGGCCCCGCGGCCTGGCT deleted. VCF-style (leftmost placement, unchanged base first): chr21-46120527-CCTGAGGGGCCCCGCGGCCTGGCT-C. GRCh37 (hg19) VCF-style: chr21-47540441-CCTGAGGGGCCCCGCGGCCTGGCT-C.
Other names: c.1346_1368del, p.Pro449fs (NM_058174.3, NM_058175.3); short protein forms P449fs.
Identifiers: ClinVar variation 4720906 (VCV004720906.1).